The following is an entry in ClinVar:

NM_000388.4(CASR):c.449C>G (p.Ser150Cys)

Gene: CASR (calcium sensing receptor; plus strand). Cytogenetic location: 3q21.1.
Variant type: single nucleotide variant.
Coding change: c.449C>G on transcript NM_000388.4 (MANE Select); coding-DNA position 449, C replaced by G.
Protein change: p.Ser150Cys; replaces serine 150 with cysteine.
Molecular consequence: missense variant.
Genome position (GRCh38, 1-based): chr3:122,257,344, C>G. VCF-style: chr3-122257344-C-G. GRCh37 (hg19) VCF-style: chr3-121976191-C-G.
Other names: c.449C>G, p.Ser150Cys (NM_001178065.2); short protein forms S150C.
Identifiers: ClinVar variation 4783626 (VCV004783626.1).

ClinVar aggregate classification (germline): Uncertain significance (1 of 4 stars; one submission).

Conditions:
Familial hypocalciuric hypercalcemia (FHH). Also called: Familial benign hypercalcemia. Identifiers: Orphanet 405, MedGen C1809471, MONDO:0018458.
Autosomal dominant hypocalcemia 1 (HYPOC1). Also called: HYPOCALCEMIA, FAMILIAL. Identifiers: MedGen C3715128, MONDO:0011013, OMIM 601198.

Submission:

Labcorp Genetics (formerly Invitae), Labcorp
Classification: Uncertain significance for Familial hypocalciuric hypercalcemia; Autosomal dominant hypocalcemia 1. Last evaluated: 2025-09-24. Review status: criteria provided, single submitter. Criteria: Invitae Variant Classification Sherloc (09022015). Collection method: clinical testing. Allele origin: germline.
Comment: This sequence change replaces serine, which is neutral and polar, with cysteine, which is neutral and slightly polar, at codon 150 of the CASR protein (p.Ser150Cys). This variant is not present in population databases (gnomAD no frequency). This missense change has been observed in individual(s) with CASR-related conditions (PMID: 26963950). An algorithm developed to predict the effect of missense changes on protein structure and function (PolyPhen-2) suggests that this variant is likely to be disruptive. In summary, the available evidence is currently insufficient to determine the role of this variant in disease. Therefore, it has been classified as a Variant of Uncertain Significance.

Literature cited by the submitters: PubMed 26963950.